The following is an entry in ClinVar:

ClinVar aggregate classification (germline): Pathogenic (1 of 4 stars; one submission).

Conditions:
Isolated microphthalmia 6. Also called: MICROPHTHALMIA, POSTERIOR NONSYNDROMIC. Identifiers: Orphanet 2542, MedGen C3150757, MONDO:0013293, OMIM 613517.

Submission:

Labcorp Genetics (formerly Invitae), Labcorp
Classification: Pathogenic for Isolated microphthalmia 6. Last evaluated: 2025-08-18. Review status: criteria provided, single submitter. Criteria: Invitae Variant Classification Sherloc (09022015). Collection method: clinical testing. Allele origin: germline.
Comment: This sequence change creates a premature translational stop signal (p.Gln217Argfs*27) in the PRSS56 gene. It is expected to result in an absent or disrupted protein product. Loss-of-function variants in PRSS56 are known to be pathogenic (PMID: 31266062, 31992737). This variant is not present in population databases (gnomAD no frequency). This variant has not been reported in the literature in individuals affected with PRSS56-related conditions. For these reasons, this variant has been classified as Pathogenic.

Literature cited by the submitters: PubMed 31266062; PubMed 31992737.

NM_001195129.2(PRSS56):c.649del (p.Gln217fs)

Gene: PRSS56 (serine protease 56; plus strand). Cytogenetic location: 2q37.1.
Variant type: Deletion.
Coding change: c.649del on transcript NM_001195129.2 (MANE Select); coding-DNA position 649, one base deleted (C; older notation c.649delC).
Protein change: p.Gln217fs; shifts the reading frame from glutamine 217.
Molecular consequence: frameshift variant.
Genome position (GRCh38, 1-based): chr2:232,522,804, C deleted; the last of 4 consecutive C bases (chr2:232,522,801-232,522,804); deleting any one gives the same sequence. VCF-style (leftmost placement, unchanged base first): chr2-232522800-GC-G. GRCh37 (hg19) VCF-style: chr2-233387510-GC-G.
Other names: c.649del, p.Gln217fs (NM_001369848.1); short protein forms Q217fs.
Identifiers: ClinVar variation 4750585 (VCV004750585.1).